The following is an entry in ClinVar:

ClinVar aggregate classification (germline): Uncertain significance (1 of 4 stars; one submission).

Submission:

Labcorp Genetics (formerly Invitae), Labcorp
Classification: Uncertain significance. Last evaluated: 2024-10-02. Review status: criteria provided, single submitter. Criteria: Invitae Variant Classification Sherloc (09022015). Collection method: clinical testing. Allele origin: germline.
Comment: This sequence change replaces alanine, which is neutral and non-polar, with valine, which is neutral and non-polar, at codon 277 of the IRF2BP2 protein (p.Ala277Val). This variant is not present in population databases (gnomAD no frequency). This variant has not been reported in the literature in individuals affected with IRF2BP2-related conditions. An algorithm developed to predict the effect of missense changes on protein structure and function (PolyPhen-2) suggests that this variant is likely to be tolerated. In summary, the available evidence is currently insufficient to determine the role of this variant in disease. Therefore, it has been classified as a Variant of Uncertain Significance.

NM_182972.3(IRF2BP2):c.830C>T (p.Ala277Val)

Gene: IRF2BP2 (interferon regulatory factor 2 binding protein 2; minus strand). Cytogenetic location: 1q42.3.
Variant type: single nucleotide variant.
Coding change: c.830C>T on transcript NM_182972.3 (MANE Select); coding-DNA position 830, C replaced by T.
Protein change: p.Ala277Val; replaces alanine 277 with valine.
Molecular consequence: missense variant.
Genome position (GRCh38, 1-based): chr1:234,608,665, G>A on the plus strand (C>T on the coding strand, the complement: IRF2BP2 is on the minus strand). VCF-style: chr1-234608665-G-A. GRCh37 (hg19) VCF-style: chr1-234744411-G-A.
Other names: c.830C>T, p.Ala277Val (NM_001077397.1); short protein forms A277V.
Identifiers: ClinVar variation 3610587 (VCV003610587.2).